The following is an entry in ClinVar:

ClinVar aggregate classification (germline): Conflicting classifications of pathogenicity. Review status: criteria provided, conflicting classifications (1 of 4 stars). 3 submissions from 3 submitters: Pathogenic (1); Likely pathogenic (1); Uncertain significance (1). Last evaluated 2022-11-09.

Conditions:
Left ventricular noncompaction 8 (LVNC8). Identifiers: Orphanet 154, Orphanet 54260, MedGen C3809288, MONDO:0014152, OMIM 615373.
PRDM16-related disorder. Also called: PRDM16-related condition.

Submissions (3):

Blueprint Genetics
Classification: Likely pathogenic for PRDM16-related disorders. Last evaluated: 2022-11-09. Review status: criteria provided, single submitter. Criteria: ACMG Guidelines, 2015. Collection method: clinical testing. Allele origin: germline. Affected: yes. Observed: 3 variant alleles.

Labcorp Genetics (formerly Invitae), Labcorp
Classification: Uncertain significance for Left ventricular noncompaction 8. Last evaluated: 2018-08-20. Review status: criteria provided, single submitter. Criteria: Invitae Variant Classification Sherloc (09022015). Collection method: clinical testing. Allele origin: germline.
Comment: This sequence change creates a premature translational stop signal (p.Val72Serfs*61) in the PRDM16 gene. It is expected to result in an absent or disrupted protein product. This variant is not present in population databases (ExAC no frequency). This variant has not been reported in the literature in individuals with PRDM16-related disease. The current clinical and genetic evidence is not sufficient to establish whether loss-of-function variants in PRDM16 cause disease. In summary, the available evidence is currently insufficient to determine the role of this variant in disease. Therefore, it has been classified as a Variant of Uncertain Significance.

Rady Children's Institute for Genomic Medicine, Rady Children's Hospital San Diego
Classification: Pathogenic for LEFT VENTRICULAR NONCOMPACTION 8. Review status: criteria provided, single submitter. Criteria: ACMG Guidelines, 2015. Collection method: clinical testing. Allele origin: germline. Affected: yes.
Comment: This frameshifting variant in exon 2 of 17 introduces a premature stop codon and is therefore predicted to result in loss of normal protein function through either protein truncation or nonsense-mediated mRNA decay (NMD). This variant has not been previously reported or functionally characterized in the literature to our knowledge. The c.213del (p.Val72SerfsTer61) variant is absent from the gnomAD population database and thus is presumed to be rare. Based on the available evidence, the c.213del (p.Val72SerfsTer61) variant is classified as Pathogenic.

NM_022114.4(PRDM16):c.213del (p.Val72fs)

Gene: PRDM16 (PR/SET domain 16; plus strand). Cytogenetic location: 1p36.32.
Variant type: Deletion.
Coding change: c.213del on transcript NM_022114.4 (MANE Select); coding-DNA position 213, one base deleted (T; older notation c.213delT).
Protein change: p.Val72fs; shifts the reading frame from valine 72.
Molecular consequence: frameshift variant.
Genome position (GRCh38, 1-based): chr1:3,186,300, T deleted. VCF-style (leftmost placement, unchanged base first): chr1-3186299-CT-C. GRCh37 (hg19) VCF-style: chr1-3102863-CT-C.
Other names: c.213delT (NM_022114.3); c.213del, p.Val72fs (NM_199454.3); c.213del (NM_022114.3); short protein forms V72fs.
Identifiers: ClinVar variation 638957 (VCV000638957.8), dbSNP rs1569798933, ClinGen allele CA915941096.